The following is an entry in ClinVar:

NM_001433706.1(NLRP8):c.1253A>G (p.Gln418Arg)

Gene: NLRP8 (NLR family pyrin domain containing 8; plus strand). Cytogenetic location: 19q13.43.
Variant type: single nucleotide variant.
Coding change: c.1253A>G on transcript NM_001433706.1 (MANE Select); coding-DNA position 1253, A replaced by G.
Protein change: p.Gln418Arg; replaces glutamine 418 with arginine.
Molecular consequence: missense variant.
Genome position (GRCh38, 1-based): chr19:55,955,311, A>G. VCF-style: chr19-55955311-A-G. GRCh37 (hg19) VCF-style: chr19-56466677-A-G.
Other names: NM_176811.2:c.1253A>G; c.1253A>G, p.Gln418Arg (NM_001317000.1); short protein forms Q418R.
Identifiers: ClinVar variation 931745 (VCV000931745.3), dbSNP rs942644063, ClinGen allele CA310253818.

ClinVar aggregate classification (germline): Uncertain significance (1 of 4 stars; one submission).

Allele frequency attached by ClinVar (database versions not stated): TOPMed below 0.00001.

Submission:

Centre for Mendelian Genomics, University Medical Centre Ljubljana
Classification: Uncertain significance. Last evaluated: 2018-10-26. Review status: criteria provided, single submitter. Criteria: ACMG Guidelines, 2015. Collection method: clinical testing. Allele origin: unknown. Affected: yes.
Comment: This variant was classified as: Uncertain significance. The available evidence favors the benign nature of this variant, however the evidence is insufficent to prove its benign nature. The following ACMG criteria were applied in classifying this variant: No criteria apply.